The following is an entry in ClinVar:

NM_001352027.3(PHF21A):c.1952C>T (p.Thr651Ile)

Gene: PHF21A (PHD finger protein 21A; minus strand). Cytogenetic location: 11p11.2.
Variant type: single nucleotide variant.
Coding change: c.1952C>T on transcript NM_001352027.3 (MANE Select); coding-DNA position 1952, C replaced by T.
Protein change: p.Thr651Ile; replaces threonine 651 with isoleucine.
Molecular consequence: missense variant. On other transcripts: non-coding transcript variant (2).
Genome position (GRCh38, 1-based): chr11:45,934,062, G>A on the plus strand (C>T on the coding strand, the complement: PHF21A is on the minus strand). VCF-style: chr11-45934062-G-A. GRCh37 (hg19) VCF-style: chr11-45955613-G-A.
Other names: c.1949C>T (NM_001101802.1); c.1811C>T (NM_016621.3); c.1949C>T, p.Thr650Ile (NM_001101802.3); c.1952C>T, p.Thr651Ile (NM_001352025.3, NM_001352026.3); c.1811C>T, p.Thr604Ile (NM_001352028.1, NM_001352029.1, NM_016621.5); c.1808C>T, p.Thr603Ile (NM_001352030.3, NM_001352031.3, NM_001352032.3); short protein forms T604I, T650I, T603I, T651I.
Identifiers: ClinVar variation 1399073 (VCV001399073.8), dbSNP rs141388105, ClinGen allele CA5960925.
Genomic context (GRCh38, chr11:45,934,062, plus strand): 5'-GTGCAGCTCTGGGAGGAGGGGGAAGGGGCCGGCGTGGAGGTGGCGGCATTGGCAGGGGGG[G>A]TGCAGTCCGGGCCATTGGAGATGGCCCCCACAGTGGCCTCAGAGTCTACAGGTTTGGAGA-3'
Protein context (NP_001338956.1, residues 641-661): VGAISNGPDC[Thr651Ile]PPANAATSTP

ClinVar aggregate classification (germline): Benign/Likely benign. Review status: criteria provided, multiple submitters, no conflicts (2 of 4 stars). 3 submissions from 3 submitters: Benign (1); Likely benign (1). 1 of the submissions does not count toward it. Last evaluated 2025-08-18.

Conditions:
Inborn genetic diseases. Identifiers: MedGen C0950123, MeSH D030342.
PHF21A-related disorder. Also called: PHF21A-related condition.

Allele frequency attached by ClinVar (database versions not stated): ESP Exome Variant Server 0.00023.
gnomAD v4.1: 648 of 1,613,808 alleles (0.04%); highest among the groups gnomAD compares: Non-Finnish European, 0.053%; no homozygotes.

Submissions (3):

Labcorp Genetics (formerly Invitae), Labcorp
Classification: Benign. Last evaluated: 2025-08-18. Review status: criteria provided, single submitter. Criteria: Invitae Variant Classification Sherloc (09022015). Collection method: clinical testing. Allele origin: germline.

Ambry Genetics
Classification: Likely benign for Inborn genetic diseases. Last evaluated: 2021-09-01. Review status: criteria provided, single submitter. Criteria: Ambry Variant Classification Scheme 2023. Collection method: clinical testing. Allele origin: germline.

PreventionGenetics, part of Exact Sciences
Classification: Benign for PHF21A-related condition. Last evaluated: 2024-06-26. Review status: no assertion criteria provided. Collection method: clinical testing. Allele origin: germline. Not counted in ClinVar's aggregate classification.
Comment: This variant is classified as benign based on ACMG/AMP sequence variant interpretation guidelines (Richards et al. 2015 PMID: 25741868, with internal and published modifications).